The following is an entry in ClinVar:

NM_000059.4(BRCA2):c.7655T>C (p.Ile2552Thr)

Gene: BRCA2 (BRCA2 DNA repair associated; plus strand). Cytogenetic location: 13q13.1.
Variant type: single nucleotide variant.
Coding change: c.7655T>C on transcript NM_000059.4 (MANE Select); coding-DNA position 7655, T replaced by C.
Protein change: p.Ile2552Thr; replaces isoleucine 2552 with threonine.
Molecular consequence: missense variant.
Genome position (GRCh38, 1-based): chr13:32,357,779, T>C. VCF-style: chr13-32357779-T-C. GRCh37 (hg19) VCF-style: chr13-32931916-T-C.
Other names: short protein forms I2552T.
Identifiers: ClinVar variation 954144 (VCV000954144.10), dbSNP rs2072708448, ClinGen allele CA387744955.

ClinVar aggregate classification (germline): Uncertain significance (1 of 4 stars; one submission).

Conditions:
Hereditary breast ovarian cancer syndrome. Also called: Hereditary breast and ovarian cancer; Hereditary breast and/or ovarian cancer syndrome; Hereditary breast and ovarian cancer syndrome; Hereditary breast and ovarian cancer syndrome (HBOC); Breast and ovarian cancer; BRCA1- and BRCA2-Associated Hereditary Breast and Ovarian Cancer. Identifiers: Orphanet 145, MedGen C0677776, MeSH D061325, MONDO:0003582. Disease mechanism: loss of function.

Submission:

Labcorp Genetics (formerly Invitae), Labcorp
Classification: Uncertain significance for Hereditary breast ovarian cancer syndrome. Last evaluated: 2019-09-09. Review status: criteria provided, single submitter. Criteria: Invitae Variant Classification Sherloc (09022015). Collection method: clinical testing. Allele origin: germline.
Comment: This sequence change replaces isoleucine with threonine at codon 2552 of the BRCA2 protein (p.Ile2552Thr). The isoleucine residue is moderately conserved and there is a moderate physicochemical difference between isoleucine and threonine. In summary, the available evidence is currently insufficient to determine the role of this variant in disease. Therefore, it has been classified as a Variant of Uncertain Significance. Algorithms developed to predict the effect of missense changes on protein structure and function (SIFT, PolyPhen-2, Align-GVGD) all suggest that this variant is likely to be disruptive, but these predictions have not been confirmed by published functional studies and their clinical significance is uncertain. This variant has not been reported in the literature in individuals with BRCA2-related conditions. This variant is not present in population databases (ExAC no frequency).